The following is an entry in ClinVar:

NM_000321.3(RB1):c.217A>G (p.Arg73Gly)

Gene: RB1 (RB transcriptional corepressor 1; plus strand). Cytogenetic location: 13q14.2.
Variant type: single nucleotide variant.
Coding change: c.217A>G on transcript NM_000321.3 (MANE Select); coding-DNA position 217, A replaced by G.
Protein change: p.Arg73Gly; replaces arginine 73 with glycine.
Molecular consequence: missense variant.
Genome position (GRCh38, 1-based): chr13:48,307,359, A>G. VCF-style: chr13-48307359-A-G. GRCh37 (hg19) VCF-style: chr13-48881495-A-G.
Other names: c.217A>G, p.Arg73Gly (NM_001407165.1, NM_001407166.1, NM_001407167.1); short protein forms R73G.
Identifiers: ClinVar variation 1787233 (VCV001787233.7), dbSNP rs2138034286, ClinGen allele CA388250599.

ClinVar aggregate classification (germline): Uncertain significance. Review status: criteria provided, multiple submitters, no conflicts (2 of 4 stars). 2 submissions from 2 submitters: Uncertain significance (2). Last evaluated 2022-09-08.

Conditions:
Hereditary cancer-predisposing syndrome. Also called: Neoplastic Syndromes, Hereditary; Tumor predisposition; Hereditary Cancer Syndrome; Hereditary neoplastic syndrome. Identifiers: Orphanet 140162, MedGen C0027672, MeSH D009386, MONDO:0015356.
Retinoblastoma (RB1). Also called: RETINOBLASTOMA, SOMATIC. Identifiers: Orphanet 790, MedGen C0035335, MeSH D012175, MONDO:0008380, OMIM 180200, HP:0009919. Disease mechanism: loss of function. Inheritance: Both sporadic and heritable forms are tested..

Submissions (2):

Labcorp Genetics (formerly Invitae), Labcorp
Classification: Uncertain significance for Retinoblastoma. Last evaluated: 2022-09-08. Review status: criteria provided, single submitter. Criteria: Invitae Variant Classification Sherloc (09022015). Collection method: clinical testing. Allele origin: germline.
Comment: In summary, the available evidence is currently insufficient to determine the role of this variant in disease. Therefore, it has been classified as a Variant of Uncertain Significance. Advanced modeling of protein sequence and biophysical properties (such as structural, functional, and spatial information, amino acid conservation, physicochemical variation, residue mobility, and thermodynamic stability) performed at Invitae indicates that this missense variant is not expected to disrupt RB1 protein function. This variant has not been reported in the literature in individuals affected with RB1-related conditions. This variant is not present in population databases (gnomAD no frequency). This sequence change replaces arginine, which is basic and polar, with glycine, which is neutral and non-polar, at codon 73 of the RB1 protein (p.Arg73Gly).

Ambry Genetics
Classification: Uncertain significance for Hereditary cancer-predisposing syndrome. Last evaluated: 2020-09-23. Review status: criteria provided, single submitter. Criteria: Ambry Variant Classification Scheme 2023. Collection method: clinical testing. Allele origin: germline.
Comment: The p.R73G variant (also known as c.217A>G), located in coding exon 2 of the RB1 gene, results from an A to G substitution at nucleotide position 217. The arginine at codon 73 is replaced by glycine, an amino acid with dissimilar properties. This amino acid position is well conserved in available vertebrate species. In addition, the in silico prediction for this alteration is inconclusive. Since supporting evidence is limited at this time, the clinical significance of this alteration remains unclear.